The following is an entry in ClinVar:

NM_001348323.3(TRIP12):c.1754A>T (p.Asp585Val)

Gene: TRIP12 (thyroid hormone receptor interactor 12; minus strand). Cytogenetic location: 2q36.3.
Variant type: single nucleotide variant.
Coding change: c.1754A>T on transcript NM_001348323.3 (MANE Select); coding-DNA position 1754, A replaced by T.
Protein change: p.Asp585Val; replaces aspartic acid 585 with valine.
Molecular consequence: missense variant.
Genome position (GRCh38, 1-based): chr2:229,814,303, T>A on the plus strand (A>T on the coding strand, the complement: TRIP12 is on the minus strand). VCF-style: chr2-229814303-T-A. GRCh37 (hg19) VCF-style: chr2-230679019-T-A.
Other names: c.1754A>T, p.Asp585Val (NM_001284214.2, NM_001348315.2, NM_001348319.1 and 11 more transcripts); c.1628A>T, p.Asp543Val (NM_001284215.2, NM_001348316.2, NM_001348317.1 and 2 more transcripts); c.719A>T, p.Asp240Val (NM_001284216.2); c.1667A>T, p.Asp556Val (NM_001348332.1); c.1610A>T, p.Asp537Val (NM_004238.3); short protein forms D240V, D537V, D543V, D556V, D585V.
Identifiers: ClinVar variation 2504154 (VCV002504154.2), dbSNP rs2472699282, ClinGen allele CA350921804.
Genomic context (GRCh38, chr2:229,814,303, plus strand): 5'-ATGGCTTTACTATGTCTCCGTGACAACATCTCCAAGGCAGTCAAGGCCTGCTCTGCCACA[T>A]CAATACACTGAATAACTTGCAGCTGGGAACATATATATAGTTACCATAAGGTTATCATTT-3'
Protein context (NP_001335252.1, residues 575-595): LEKLQVIQCI[Asp585Val]VAEQALTALE

ClinVar aggregate classification (germline): Uncertain significance (1 of 4 stars; one submission).

Submission:

Centre of Medical Genetics, University Hospital Muenster
Classification: Uncertain significance. Last evaluated: 2023-04-14. Review status: criteria provided, single submitter. Criteria: ACMG Guidelines, 2015. Collection method: clinical testing. Allele origin: unknown. Affected: yes. Observed: 1 variant allele, 1 heterozygote.
Comment: ACMG categories: PM2,PP3,BP1